The following is an entry in ClinVar:

NM_004281.4(BAG3):c.143C>A (p.Thr48Lys)

Gene: BAG3 (BAG cochaperone 3; plus strand). Cytogenetic location: 10q26.11.
Variant type: single nucleotide variant.
Coding change: c.143C>A on transcript NM_004281.4 (MANE Select); coding-DNA position 143, C replaced by A.
Protein change: p.Thr48Lys; replaces threonine 48 with lysine.
Molecular consequence: missense variant.
Genome position (GRCh38, 1-based): chr10:119,651,818, C>A. VCF-style: chr10-119651818-C-A. GRCh37 (hg19) VCF-style: chr10-121411330-C-A.
Other names: short protein forms T48K.
Identifiers: ClinVar variation 958731 (VCV000958731.9), dbSNP rs1229267488, ClinGen allele CA378294267.

ClinVar aggregate classification (germline): Uncertain significance (1 of 4 stars; one submission).

Conditions:
Dilated cardiomyopathy 1HH (CMD1HH). Identifiers: Orphanet 154, MedGen C3151293, MONDO:0013479, OMIM 613881.
Myofibrillar myopathy 6. Identifiers: Orphanet 199340, MedGen C2751831, MONDO:0013061, OMIM 612954.

Allele frequency attached by ClinVar (database versions not stated): gnomAD exomes below 0.00001; TOPMed 0.00001.

Submission:

Labcorp Genetics (formerly Invitae), Labcorp
Classification: Uncertain significance for Dilated cardiomyopathy 1HH; Myofibrillar myopathy 6. Last evaluated: 2026-01-16. Review status: criteria provided, single submitter. Criteria: Invitae Variant Classification Sherloc (09022015). Collection method: clinical testing. Allele origin: germline.
Comment: This sequence change replaces threonine, which is neutral and polar, with lysine, which is basic and polar, at codon 48 of the BAG3 protein (p.Thr48Lys). The frequency data for this variant in the population databases is considered unreliable, as metrics indicate poor data quality at this position in the gnomAD database. This variant has not been reported in the literature in individuals affected with BAG3-related conditions. ClinVar contains an entry for this variant (Variation ID: 958731). An algorithm developed to predict the effect of missense changes on protein structure and function (PolyPhen-2) suggests that this variant is likely to be disruptive. In summary, the available evidence is currently insufficient to determine the role of this variant in disease. Therefore, it has been classified as a Variant of Uncertain Significance.